The following is an entry in ClinVar:

NM_002458.3(MUC5B):c.13868CCACACCCACAACCA[1] (p.4623TTPTT[1])

Gene: MUC5B (mucin 5B, oligomeric mucus/gel-forming; plus strand). Cytogenetic location: 11p15.5.
Variant type: Microsatellite.
Coding change: c.13868CCACACCCACAACCA[1] on transcript NM_002458.3 (MANE Select); one copy of the 15-base unit CCACACCCACAACCA starting at c.13868; the reference has two copies in a row; one copy, 15 bases deleted.
Protein change: p.4623TTPTT[1].
Molecular consequence: inframe deletion.
Genome position (GRCh38, 1-based): chr11:1,250,763-1,250,777, CCACACCCACAACCA deleted; deleting any 15 consecutive bases within chr11:1,250,740-1,250,777 gives the same sequence; the position shown is the placement nearest the transcript's 3' end. VCF-style (leftmost placement, unchanged base first): chr11-1250739-GCACAACCACCACACC-G. GRCh37 (hg19) VCF-style: chr11-1271969-GCACAACCACCACACC-G.
Identifiers: ClinVar variation 3388699 (VCV003388699.14).

ClinVar aggregate classification (germline): Likely benign (1 of 4 stars; one submission).

Submission:

CeGaT Center for Human Genetics Tuebingen
Classification: Likely benign. Last evaluated: 2024-10-01. Review status: criteria provided, single submitter. Criteria: CeGaT Center For Human Genetics Tuebingen Variant Classification Criteria Version 2. Collection method: clinical testing. Allele origin: germline. Affected: yes. Observed: 1 variant allele.
Comment: MUC5B: BS1